The following is an entry in ClinVar:

ClinVar aggregate classification (germline): Likely pathogenic (1 of 4 stars; one submission).

Conditions:
Dilated cardiomyopathy 1G (CMD1G). Identifiers: Orphanet 154, MedGen C1858763, MONDO:0011400, OMIM 604145.
Autosomal recessive limb-girdle muscular dystrophy type 2J (LGMDR10). Also called: Limb-girdle muscular dystrophy, type 2J; MUSCULAR DYSTROPHY, LIMB-GIRDLE, AUTOSOMAL RECESSIVE 10. Identifiers: Orphanet 140922, MedGen C1837342, MONDO:0012127, OMIM 608807.

Submission:

Labcorp Genetics (formerly Invitae), Labcorp
Classification: Likely pathogenic for Dilated cardiomyopathy 1G; Autosomal recessive limb-girdle muscular dystrophy type 2J. Last evaluated: 2023-12-06. Review status: criteria provided, single submitter. Criteria: Invitae Variant Classification Sherloc (09022015). Collection method: clinical testing. Allele origin: germline.
Comment: This sequence change creates a premature translational stop signal (p.Lys34724Argfs*14) in the TTN gene. While this is not anticipated to result in nonsense mediated decay, it is expected to create a truncated TTN protein. This variant is not present in population databases (gnomAD no frequency). This variant has not been reported in the literature in individuals affected with TTN-related conditions. ClinVar contains an entry for this variant (Variation ID: 1067225). This variant is located in the M band of TTN (PMID: 25589632). Truncating variants in this region have been previously reported in individuals affected with autosomal recessive myopathy and muscular dystrophy (PMID: 18948003, 23975875, 24395473). Truncating variants in this region have also been identified in individuals affected with autosomal dominant dilated cardiomyopathy and/or cardio-related conditions (PMID: 27869827, 32964742). In summary, the currently available evidence indicates that the variant is pathogenic, but additional data are needed to prove that conclusively. Therefore, this variant has been classified as Likely Pathogenic.

Literature cited by the submitters: PubMed 25589632; PubMed 18948003; PubMed 23975875; PubMed 24395473; PubMed 27869827; PubMed 32964742.

NM_001267550.2(TTN):c.104171_104172del (p.Lys34724fs)

Genes: TTN-AS1 (TTN antisense RNA 1; plus strand), TTN (titin; minus strand). Cytogenetic location: 2q31.2.
Variant type: Deletion.
Coding change: c.104171_104172del on transcript NM_001267550.2 (MANE Select); coding-DNA positions 104171 to 104172, 2 bases deleted (AA; older notation c.104171_104172delAA).
Protein change: p.Lys34724fs; shifts the reading frame from lysine 34724.
Molecular consequence: frameshift variant.
Genome position (GRCh38, 1-based): chr2:178,532,443-178,532,444, TT deleted on the plus strand (AA on the coding strand, the reverse complement: TTN is on the minus strand); deleting any 2 consecutive bases within chr2:178,532,443-178,532,446 gives the same sequence; the c. name uses the placement nearest the transcript's 3' end. VCF-style (leftmost placement, unchanged base first): chr2-178532442-CTT-C. GRCh37 (hg19) VCF-style: chr2-179397169-CTT-C.
Other names: c.99248_99249del, p.Lys33083fs (NM_001256850.1); c.76976_76977del, p.Lys25659fs (NM_003319.4); c.96467_96468del, p.Lys32156fs (NM_133378.4); c.77351_77352del, p.Lys25784fs (NM_133432.3); c.77552_77553del, p.Lys25851fs (NM_133437.4); short protein forms K25659fs, K25784fs, K25851fs, K32156fs, K33083fs, K34724fs.
Identifiers: ClinVar variation 1067225 (VCV001067225.11), dbSNP rs2154134302, ClinGen allele CA2499215276.